The following is an entry in ClinVar:

NC_000007.14:g.(?_146116001)_(146116993_?)dup

Gene: CNTNAP2 (contactin associated protein 2; plus strand). Cytogenetic location: 7q35.
Variant type: Duplication.
Identifiers: ClinVar variation 832646 (VCV000832646.7).

ClinVar aggregate classification (germline): Uncertain significance (1 of 4 stars; one submission).

Conditions:
Cortical dysplasia-focal epilepsy syndrome (PTHSL1). Also called: Pitt-Hopkins-like syndrome 1. Identifiers: Orphanet 163681, Orphanet 221150, MedGen C2750246, MONDO:0012400, OMIM 610042.

Submission:

Labcorp Genetics (formerly Invitae), Labcorp
Classification: Uncertain significance for Cortical dysplasia-focal epilepsy syndrome. Last evaluated: 2022-06-27. Review status: criteria provided, single submitter. Criteria: Invitae Variant Classification Sherloc (09022015). Collection method: clinical testing. Allele origin: germline.
Comment: This variant results in a copy number gain of the genomic region encompassing exon(s) 1 of the CNTNAP2 gene. This region includes the initiator codon of the gene. This copy number gain extends beyond the assayed region for this gene and therefore may encompass additional genes. As the precise location of this event is unknown, it may be in tandem or it may be located elsewhere in the genome. This variant has not been reported in the literature in individuals affected with CNTNAP2-related conditions. In summary, the available evidence is currently insufficient to determine the role of this variant in disease. Therefore, it has been classified as a Variant of Uncertain Significance.